The following is an entry in ClinVar:

NM_003114.5(SPAG1):c.1954A>T (p.Ile652Phe)

Gene: SPAG1 (sperm associated antigen 1; plus strand). Cytogenetic location: 8q22.2.
Variant type: single nucleotide variant.
Coding change: c.1954A>T on transcript NM_003114.5 (MANE Select); coding-DNA position 1954, A replaced by T.
Protein change: p.Ile652Phe; replaces isoleucine 652 with phenylalanine.
Molecular consequence: missense variant.
Genome position (GRCh38, 1-based): chr8:100,231,254, A>T. VCF-style: chr8-100231254-A-T. GRCh37 (hg19) VCF-style: chr8-101243482-A-T.
Other names: c.1954A>T, p.Ile652Phe (NM_001374321.1, NM_172218.3); short protein forms I652F.
Identifiers: ClinVar variation 410998 (VCV000410998.47), dbSNP rs143621160, ClinGen allele CA4827633.
Genomic context (GRCh38, chr8:100,231,254, plus strand): 5'-CAATGTGTAAATGACAAAAACTATAAAGACGCCCTCAGTAAATACAGCGAATGCTTAAAG[A>T]TTAACAATAAGGAATGTGCCATATATACAAACAGGCAAGTTCTTTGTAACTTTATATATT-3'
Protein context (NP_003105.2, residues 642-662): ALSKYSECLK[Ile652Phe]NNKECAIYTN

ClinVar aggregate classification (germline): Uncertain significance. Review status: criteria provided, multiple submitters, no conflicts (2 of 4 stars). 4 submissions from 4 submitters: Uncertain significance (4). Last evaluated 2024-12-04.

Conditions:
Primary ciliary dyskinesia 28. Also called: CILIARY DYSKINESIA, PRIMARY, 28, WITH OR WITHOUT SITUS INVERSUS. Identifiers: Orphanet 244, MedGen C3809706, MONDO:0014216, OMIM 615505.
Primary ciliary dyskinesia. Also called: Ciliary dyskinesia. Identifiers: Orphanet 244, MedGen C0008780, MONDO:0016575, HP:0012265.

Allele frequency attached by ClinVar (database versions not stated): ESP Exome Variant Server 0.00023; gnomAD 0.00007 and 0.00009; gnomAD exomes 0.00008 and 0.00010; TOPMed 0.00009; ExAC 0.00011.
gnomAD v4.1: 140 of 1,599,912 alleles (0.0088%); highest among the groups gnomAD compares: Middle Eastern, 0.033%; no homozygotes.

Submissions (4):

Ambry Genetics
Classification: Uncertain significance for Primary ciliary dyskinesia. Last evaluated: 2024-12-04. Review status: criteria provided, single submitter. Criteria: Ambry Variant Classification Scheme 2023. Collection method: clinical testing. Allele origin: germline.

Blueprint Genetics
Classification: Uncertain significance. Last evaluated: 2024-04-09. Review status: criteria provided, single submitter. Criteria: ACMG Guidelines, 2015. Collection method: clinical testing. Allele origin: germline.

Labcorp Genetics (formerly Invitae), Labcorp
Classification: Uncertain significance for Primary ciliary dyskinesia 28. Last evaluated: 2024-01-29. Review status: criteria provided, single submitter. Criteria: Invitae Variant Classification Sherloc (09022015). Collection method: clinical testing. Allele origin: germline.
Comment: This sequence change replaces isoleucine, which is neutral and non-polar, with phenylalanine, which is neutral and non-polar, at codon 652 of the SPAG1 protein (p.Ile652Phe). This variant is present in population databases (rs143621160, gnomAD 0.02%). This variant has not been reported in the literature in individuals affected with SPAG1-related conditions. ClinVar contains an entry for this variant (Variation ID: 410998). Advanced modeling of protein sequence and biophysical properties (such as structural, functional, and spatial information, amino acid conservation, physicochemical variation, residue mobility, and thermodynamic stability) performed at Invitae indicates that this missense variant is not expected to disrupt SPAG1 protein function with a negative predictive value of 80%. In summary, the available evidence is currently insufficient to determine the role of this variant in disease. Therefore, it has been classified as a Variant of Uncertain Significance.

CeGaT Center for Human Genetics Tuebingen
Classification: Uncertain significance. Last evaluated: 2021-04-01. Review status: criteria provided, single submitter. Criteria: CeGaT Center For Human Genetics Tuebingen Variant Classification Criteria Version 2. Collection method: clinical testing. Allele origin: germline. Affected: yes. Observed: 1 variant allele.